The following is an entry in ClinVar:

NM_024537.4(CARS2):c.217G>T (p.Ala73Ser)

Gene: CARS2 (cysteinyl-tRNA synthetase 2, mitochondrial; minus strand). Cytogenetic location: 13q34.
Variant type: single nucleotide variant.
Coding change: c.217G>T on transcript NM_024537.4 (MANE Select); coding-DNA position 217, G replaced by T.
Protein change: p.Ala73Ser; replaces alanine 73 with serine.
Molecular consequence: missense variant. On other transcripts: non-coding transcript variant (1), intron variant (1).
Genome position (GRCh38, 1-based): chr13:110,705,877, C>A on the plus strand (G>T on the coding strand, the complement: CARS2 is on the minus strand). VCF-style: chr13-110705877-C-A. GRCh37 (hg19) VCF-style: chr13-111358224-C-A.
Other names: c.217G>T, p.Ala73Ser (NM_001352253.3); c.-775-306G>T (NM_001352252.2); short protein forms A73S.
Identifiers: ClinVar variation 837717 (VCV000837717.9), dbSNP rs761282112, ClinGen allele CA388743084.

ClinVar aggregate classification (germline): Uncertain significance (1 of 4 stars; one submission).

Conditions:
Combined oxidative phosphorylation defect type 27. Also called: Combined oxidative phosphorylation deficiency 27. Identifiers: Orphanet 477774, MedGen C5567608, MONDO:0014728, OMIM 616672.

Allele frequency attached by ClinVar (database versions not stated): gnomAD 0.00001.
gnomAD v4.1: 3 of 1,560,996 alleles (0.00019%); highest among the groups gnomAD compares: African/African-American, 0.0014%; no homozygotes.

Submission:

Labcorp Genetics (formerly Invitae), Labcorp
Classification: Uncertain significance for Combined oxidative phosphorylation defect type 27. Last evaluated: 2019-07-22. Review status: criteria provided, single submitter. Criteria: Invitae Variant Classification Sherloc (09022015). Collection method: clinical testing. Allele origin: germline.
Comment: In summary, the available evidence is currently insufficient to determine the role of this variant in disease. Therefore, it has been classified as a Variant of Uncertain Significance. Algorithms developed to predict the effect of missense changes on protein structure and function are either unavailable or do not agree on the potential impact of this missense change (SIFT: "Tolerated"; PolyPhen-2: "Possibly Damaging"; Align-GVGD: "Class C0"). This variant has not been reported in the literature in individuals with CARS2-related conditions. The frequency data for this variant in the population databases is considered unreliable, as metrics indicate insufficient coverage at this position in the ExAC database. This sequence change replaces alanine with serine at codon 73 of the CARS2 protein (p.Ala73Ser). The alanine residue is weakly conserved and there is a moderate physicochemical difference between alanine and serine.